The following is an entry in ClinVar:

NM_001127222.2(CACNA1A):c.2025C>T (p.Asp675=)

Gene: CACNA1A (calcium voltage-gated channel subunit alpha1 A; minus strand). Cytogenetic location: 19p13.13.
Variant type: single nucleotide variant.
Coding change: c.2025C>T on transcript NM_001127222.2 (MANE Select); coding-DNA position 2025, C replaced by T.
Protein change: p.Asp675=; no amino-acid change (aspartic acid 675 retained).
Molecular consequence: synonymous variant.
Genome position (GRCh38, 1-based): chr19:13,303,846, G>A on the plus strand (C>T on the coding strand, the complement: CACNA1A is on the minus strand). VCF-style: chr19-13303846-G-A. GRCh37 (hg19) VCF-style: chr19-13414660-G-A.
Other names: c.2028C>T, p.Asp676= (NM_000068.4, NM_001127221.2, NM_001174080.2 and 1 more transcripts).
Identifiers: ClinVar variation 476238 (VCV000476238.11), dbSNP rs1170735669, ClinGen allele CA505661049.

ClinVar aggregate classification (germline): Likely benign. Review status: criteria provided, multiple submitters, no conflicts (2 of 4 stars). 4 submissions from 4 submitters: Likely benign (4). Last evaluated 2026-02-03.

Conditions:
Developmental and epileptic encephalopathy, 42 (DEE42A). Also called: DEVELOPMENTAL AND EPILEPTIC ENCEPHALOPATHY 42A; EPILEPTIC ENCEPHALOPATHY, EARLY INFANTILE, 42A; Epileptic encephalopathy, early infantile, 42. Identifiers: MedGen C4310716, MONDO:0014917, OMIM 617106.
Episodic ataxia type 2 (EA2). Also called: ACETAZOLAMIDE-RESPONSIVE HEREDITARY PAROXYSMAL CEREBELLAR ATAXIA; ATAXIA, EPISODIC, WITH NYSTAGMUS; ATAXIA, FAMILIAL PAROXYSMAL; CEREBELLAR ATAXIA, PAROXYSMAL, ACETAZOLAMIDE-RESPONSIVE; CEREBELLOPATHY, HEREDITARY PAROXYSMAL; EPISODIC ATAXIA, NYSTAGMUS-ASSOCIATED. Identifiers: Orphanet 97, MedGen C1720416, MONDO:0007163, OMIM 108500.

Allele frequency attached by ClinVar (database versions not stated): gnomAD 0.00001; gnomAD exomes 0.00001 and 0.00002; TOPMed 0.00002.
gnomAD v4.1: 16 of 1,613,514 alleles (0.00099%); highest among the groups gnomAD compares: South Asian, 0.0066%; no homozygotes.

Submissions (4):

Women's Health and Genetics/Laboratory Corporation of America, LabCorp
Classification: Likely benign. Last evaluated: 2026-02-03. Review status: criteria provided, single submitter. Criteria: LabCorp Variant Classification Summary - May 2015. Collection method: clinical testing. Allele origin: germline.

Labcorp Genetics (formerly Invitae), Labcorp
Classification: Likely benign for Developmental and epileptic encephalopathy, 42; Episodic ataxia type 2. Last evaluated: 2025-03-10. Review status: criteria provided, single submitter. Criteria: Invitae Variant Classification Sherloc (09022015). Collection method: clinical testing. Allele origin: germline.

Blueprint Genetics
Classification: Likely benign. Last evaluated: 2024-06-10. Review status: criteria provided, single submitter. Criteria: ACMG Guidelines, 2015. Collection method: clinical testing. Allele origin: germline.

GeneDx
Classification: Likely benign. Last evaluated: 2017-08-24. Review status: criteria provided, single submitter. Criteria: GeneDx Variant Classification (06012015). Collection method: clinical testing. Allele origin: germline. Affected: yes.
Comment: This variant is considered likely benign or benign based on one or more of the following criteria: it is a conservative change, it occurs at a poorly conserved position in the protein, it is predicted to be benign by multiple in silico algorithms, and/or has population frequency not consistent with disease.